The following is an entry in ClinVar:

NM_017570.5(OPLAH):c.1535G>A (p.Arg512Lys)

Gene: OPLAH (5-oxoprolinase, ATP-hydrolysing; minus strand). Cytogenetic location: 8q24.3.
Variant type: single nucleotide variant.
Coding change: c.1535G>A on transcript NM_017570.5 (MANE Select); coding-DNA position 1535, G replaced by A.
Protein change: p.Arg512Lys; replaces arginine 512 with lysine.
Molecular consequence: missense variant.
Genome position (GRCh38, 1-based): chr8:144,057,208, C>T on the plus strand (G>A on the coding strand, the complement: OPLAH is on the minus strand). VCF-style: chr8-144057208-C-T. GRCh37 (hg19) VCF-style: chr8-145112111-C-T.
Other names: short protein forms R512K.
Identifiers: ClinVar variation 5001643 (VCV005001643.1).

ClinVar aggregate classification (germline): Uncertain significance (1 of 4 stars; one submission).

Conditions:
OPLAH-related disorder. Also called: OPLAH-related condition.

gnomAD v4.1: 3 of 1,611,214 alleles (0.00019%); highest among the groups gnomAD compares: South Asian, 0.0011%; no homozygotes.

Submission:

PreventionGenetics, part of Exact Sciences
Classification: Uncertain significance for OPLAH-related condition. Last evaluated: 2025-04-02. Review status: criteria provided, single submitter. Criteria: ACMG Guidelines, 2015. Collection method: clinical testing. Allele origin: germline.
Comment: The OPLAH c.1535G>A variant is predicted to result in the amino acid substitution p.Arg512Lys. To our knowledge, this variant has not been reported in the literature or in a large population database (gnomAD), indicating this variant is rare. At this time, the clinical significance of this variant is uncertain due to the absence of conclusive functional and genetic evidence.